The following is an entry in ClinVar:

ClinVar aggregate classification (germline): other (0 of 4 stars; one submission).

Conditions:
Familial colorectal cancer. Identifiers: MedGen CN280943, MONDO:0023113. Disease mechanism: loss of function.

Submission:

Systems Biology Platform Zhejiang California International NanoSystems Institute
Classification: other for Familial colorectal cancer. Review status: no assertion criteria provided. Collection method: not provided. Allele origin: unknown.
ClinVar note: Converted during submission from cancer to other.

NM_000038.6(APC):c.834+5107C>A

Gene: APC (APC regulator of WNT signaling pathway; plus strand). Cytogenetic location: 5q22.2.
Variant type: single nucleotide variant.
Coding change: c.834+5107C>A on transcript NM_000038.6 (MANE Select); 5107 bases into the intron after coding-DNA position 834, C replaced by A.
Molecular consequence: intron variant.
Genome position (GRCh38, 1-based): chr5:112,806,490, C>A. VCF-style: chr5-112806490-C-A. GRCh37 (hg19) VCF-style: chr5-112142187-C-A.
Other names: c.834+5107C>A (NM_001354895.2, NM_001127510.3, NM_001354896.2 and 1 more transcripts); c.864+5107C>A (NM_001354897.2, NM_001354902.2); c.780+5107C>A (NM_001127511.3); c.759+5107C>A (NM_001354898.2, NM_001354904.2); c.-201-3636C>A (NM_001354906.2); c.750+5107C>A (NM_001354899.2); c.657+5107C>A (NM_001354900.2, NM_001354901.2, NM_001354905.2).
Identifiers: ClinVar variation 82526 (VCV000082526.2), dbSNP rs78366520, ClinGen allele CA014859.